The following is an entry in ClinVar:

ClinVar aggregate classification (germline): Likely benign. Review status: criteria provided, single submitter (1 of 4 stars). 2 submissions from 2 submitters: Likely benign (1). 1 of the submissions does not count toward it. Last evaluated 2025-03-26.

Conditions:
SETBP1-related disorder. Also called: SETBP1-related condition; SETBP1-related disorders.

Allele frequency attached by ClinVar (database versions not stated): ExAC 0.00004; 1000 Genomes Project 30x 0.00016; 1000 Genomes Project 0.00020.
gnomAD v4.1: 23 of 1,614,126 alleles (0.0014%); highest among the groups gnomAD compares: East Asian, 0.049%; no homozygotes.

Submissions (2):

Labcorp Genetics (formerly Invitae), Labcorp
Classification: Likely benign. Last evaluated: 2025-03-26. Review status: criteria provided, single submitter. Criteria: Invitae Variant Classification Sherloc (09022015). Collection method: clinical testing. Allele origin: germline.

PreventionGenetics, part of Exact Sciences
Classification: Likely benign for SETBP1-related condition. Last evaluated: 2022-03-01. Review status: no assertion criteria provided. Collection method: clinical testing. Allele origin: germline. Not counted in ClinVar's aggregate classification.
Comment: This variant is classified as likely benign based on ACMG/AMP sequence variant interpretation guidelines (Richards et al. 2015 PMID: 25741868, with internal and published modifications).

NM_015559.3(SETBP1):c.1153C>G (p.Gln385Glu)

Gene: SETBP1 (SET binding protein 1; plus strand). Cytogenetic location: 18q12.3.
Variant type: single nucleotide variant.
Coding change: c.1153C>G on transcript NM_015559.3 (MANE Select); coding-DNA position 1153, C replaced by G.
Protein change: p.Gln385Glu; replaces glutamine 385 with glutamic acid.
Molecular consequence: missense variant.
Genome position (GRCh38, 1-based): chr18:44,950,493, C>G. VCF-style: chr18-44950493-C-G. GRCh37 (hg19) VCF-style: chr18-42530458-C-G.
Other names: c.1153C>G, p.Gln385Glu (NM_001379141.1, NM_001379142.1, NM_001410862.1); c.1153C>G (NM_015559.2); short protein forms Q385E.
Identifiers: ClinVar variation 2058782 (VCV002058782.6), dbSNP rs536826094, ClinGen allele CA8945566.